The following is an entry in ClinVar:

NM_177438.3(DICER1):c.2739G>T (p.Lys913Asn)

Gene: DICER1 (dicer 1, ribonuclease III; minus strand). Cytogenetic location: 14q32.13.
Variant type: single nucleotide variant.
Coding change: c.2739G>T on transcript NM_177438.3 (MANE Select); coding-DNA position 2739, G replaced by T.
Protein change: p.Lys913Asn; replaces lysine 913 with asparagine.
Molecular consequence: missense variant. On other transcripts: non-coding transcript variant (6).
Genome position (GRCh38, 1-based): chr14:95,107,673, C>A on the plus strand (G>T on the coding strand, the complement: DICER1 is on the minus strand). VCF-style: chr14-95107673-C-A. GRCh37 (hg19) VCF-style: chr14-95574010-C-A.
Other names: c.2739G>T, p.Lys913Asn (NM_001195573.1, NM_001271282.3, NM_001291628.2 and 13 more transcripts); c.2457G>T, p.Lys819Asn (NM_001395686.1); c.2334G>T, p.Lys778Asn (NM_001395687.1, NM_001395688.1, NM_001395689.1 and 2 more transcripts); c.2172G>T, p.Lys724Asn (NM_001395691.1); c.1056G>T, p.Lys352Asn (NM_001395697.1); short protein forms K352N, K724N, K778N, K819N, K913N.
Identifiers: ClinVar variation 3229344 (VCV003229344.1), dbSNP rs2140019215, ClinGen allele CA390879547.

ClinVar aggregate classification (germline): Uncertain significance (1 of 4 stars; one submission).

Conditions:
Hereditary cancer-predisposing syndrome. Also called: Neoplastic Syndromes, Hereditary; Tumor predisposition; Hereditary neoplastic syndrome; Hereditary Cancer Syndrome. Identifiers: Orphanet 140162, MedGen C0027672, MeSH D009386, MONDO:0015356.

Submission:

Ambry Genetics
Classification: Uncertain significance for Hereditary cancer-predisposing syndrome. Last evaluated: 2023-10-18. Review status: criteria provided, single submitter. Criteria: Ambry Variant Classification Scheme 2023. Collection method: clinical testing. Allele origin: germline.
Comment: The p.K913N variant (also known as c.2739G>T), located in coding exon 16 of the DICER1 gene, results from a G to T substitution at nucleotide position 2739. The lysine at codon 913 is replaced by asparagine, an amino acid with similar properties. This amino acid position is not well conserved in available vertebrate species. In addition, this alteration is predicted to be tolerated by in silico analysis. Since supporting evidence is limited at this time, the clinical significance of this alteration remains unclear.